The following is an entry in ClinVar:

NM_138694.4(PKHD1):c.11958T>A (p.Ala3986=)

Gene: PKHD1 (PKHD1 ciliary IPT domain containing fibrocystin/polyductin; minus strand). Cytogenetic location: 6p12.3.
Variant type: single nucleotide variant.
Coding change: c.11958T>A on transcript NM_138694.4 (MANE Select); coding-DNA position 11958, T replaced by A.
Protein change: p.Ala3986=; no amino-acid change (alanine 3986 retained).
Molecular consequence: synonymous variant.
Genome position (GRCh38, 1-based): chr6:51,619,348, A>T on the plus strand (T>A on the coding strand, the complement: PKHD1 is on the minus strand). VCF-style: chr6-51619348-A-T. GRCh37 (hg19) VCF-style: chr6-51484146-A-T.
Identifiers: ClinVar variation 1095471 (VCV001095471.16), dbSNP rs1766324047, ClinGen allele CA450612897.

ClinVar aggregate classification (germline): Likely benign. Review status: criteria provided, multiple submitters, no conflicts (2 of 4 stars). 3 submissions from 3 submitters: Likely benign (2). 1 of the submissions does not count toward it. Last evaluated 2026-05-01.

Conditions:
Autosomal recessive polycystic kidney disease (ARPKD). Also called: AR polycystic kidney disease. Identifiers: Orphanet 731, Orphanet 8378, MedGen C0085548, MeSH D017044, MONDO:0009889.

Allele frequency attached by ClinVar (database versions not stated): gnomAD exomes below 0.00001.
gnomAD v4.1: 1 of 1,614,200 alleles (0.000062%); highest among the groups gnomAD compares: Admixed American, 0.0017%; no homozygotes.

Submissions (3):

CeGaT Center for Human Genetics Tuebingen
Classification: Likely benign. Last evaluated: 2026-05-01. Review status: criteria provided, single submitter. Criteria: CeGaT Center For Human Genetics Tuebingen Variant Classification Criteria Version 2. Collection method: clinical testing. Allele origin: germline. Affected: yes. Observed: 2 variant alleles.
Comment: PKHD1: BP4, BP7

Labcorp Genetics (formerly Invitae), Labcorp
Classification: Likely benign for Autosomal recessive polycystic kidney disease. Last evaluated: 2023-08-10. Review status: criteria provided, single submitter. Criteria: Invitae Variant Classification Sherloc (09022015). Collection method: clinical testing. Allele origin: germline.

Natera, Inc.
Classification: Likely benign for Autosomal recessive polycystic kidney disease. Last evaluated: 2019-04-01. Review status: no assertion criteria provided. Collection method: clinical testing. Allele origin: germline. Not counted in ClinVar's aggregate classification.